The following is an entry in ClinVar:

NM_000179.3(MSH6):c.458-9del

Gene: MSH6 (mutS homolog 6; plus strand). Cytogenetic location: 2p16.3.
Variant type: Deletion.
Coding change: c.458-9del on transcript NM_000179.3 (MANE Select); 9 bases into the intron before coding-DNA position 458, one base deleted (T; older notation c.458-9delT).
Molecular consequence: intron variant.
Genome position (GRCh38, 1-based): chr2:47,795,885, T deleted; the last of 3 consecutive T bases (chr2:47,795,883-47,795,885); deleting any one gives the same sequence. VCF-style (leftmost placement, unchanged base first): chr2-47795882-AT-A. GRCh37 (hg19) VCF-style: chr2-48023021-AT-A.
Other names: c.458-9delT (NM_000179.2, NM_000179.3); c.-279-2726del (NM_001281493.2); c.238-2726del (NM_001281492.2); c.-445-9del (NM_001281494.2).
Identifiers: ClinVar variation 422948 (VCV000422948.15), dbSNP rs1064796117, ClinGen allele CA16617628.

ClinVar aggregate classification (germline): Likely benign. Review status: criteria provided, multiple submitters, no conflicts (2 of 4 stars). 5 submissions from 5 submitters: Likely benign (5). Last evaluated 2025-10-19.

Conditions:
Hereditary nonpolyposis colorectal neoplasms. Identifiers: MedGen C0009405, MeSH D003123.
Hereditary cancer-predisposing syndrome. Also called: Hereditary neoplastic syndrome; Neoplastic Syndromes, Hereditary; Tumor predisposition; Hereditary Cancer Syndrome. Identifiers: Orphanet 140162, MedGen C0027672, MeSH D009386, MONDO:0015356.
Lynch syndrome 5 (LYNCH5). Also called: Hereditary non-polyposis colorectal cancer, type 5; Colorectal cancer, hereditary nonpolyposis, type 5. Identifiers: Orphanet 144, MedGen C1833477, MONDO:0013710, OMIM 614350. Disease mechanism: loss of function.

Submissions (5):

Labcorp Genetics (formerly Invitae), Labcorp
Classification: Likely benign for Hereditary nonpolyposis colorectal neoplasms. Last evaluated: 2025-10-19. Review status: criteria provided, single submitter. Criteria: Invitae Variant Classification Sherloc (09022015). Collection method: clinical testing. Allele origin: germline.

Center for Genomic Medicine, Rigshospitalet, Copenhagen University Hospital
Classification: Likely benign. Last evaluated: 2025-03-04. Review status: criteria provided, single submitter. Criteria: ACMG Guidelines, 2015. Collection method: clinical testing. Allele origin: germline.
Comment: Classification criteria: BP4

Myriad Genetics, Inc.
Classification: Likely benign for Lynch syndrome 5. Last evaluated: 2024-12-18. Review status: criteria provided, single submitter. Criteria: Myriad Autosomal Dominant, Autosomal Recessive and X-Linked Classification Criteria (2023). Collection method: clinical testing. Allele origin: unknown.
Comment: This variant is considered likely benign. This variant is intronic and is not expected to impact mRNA splicing.

GeneDx
Classification: Likely benign. Last evaluated: 2018-10-03. Review status: criteria provided, single submitter. Criteria: GeneDx Variant Classification Process June 2021. Collection method: clinical testing. Allele origin: germline. Affected: yes.

Color Diagnostics, LLC DBA Color Health
Classification: Likely benign for Hereditary cancer-predisposing syndrome. Last evaluated: 2017-11-21. Review status: criteria provided, single submitter. Criteria: ACMG Guidelines, 2015. Collection method: clinical testing. Allele origin: germline.